The following is an entry in ClinVar:

ClinVar aggregate classification (germline): Uncertain significance. Review status: criteria provided, multiple submitters, no conflicts (2 of 4 stars). 2 submissions from 2 submitters: Uncertain significance (2). Last evaluated 2025-07-01.

Conditions:
Inborn genetic diseases. Identifiers: MedGen C0950123, MeSH D030342.
KBG syndrome (KBGS). Also called: ANKRD11-Related KBG Syndrome. Identifiers: Orphanet 2332, MedGen C0220687, MONDO:0007846, OMIM 148050.

Submissions (2):

Ambry Genetics
Classification: Uncertain significance for Inborn genetic diseases. Last evaluated: 2025-07-01. Review status: criteria provided, single submitter. Criteria: Ambry Variant Classification Scheme 2023. Collection method: clinical testing. Allele origin: germline.

Labcorp Genetics (formerly Invitae), Labcorp
Classification: Uncertain significance for KBG syndrome. Last evaluated: 2024-12-15. Review status: criteria provided, single submitter. Criteria: Invitae Variant Classification Sherloc (09022015). Collection method: clinical testing. Allele origin: germline.
Comment: This sequence change replaces isoleucine, which is neutral and non-polar, with threonine, which is neutral and polar, at codon 2048 of the ANKRD11 protein (p.Ile2048Thr). This variant is not present in population databases (gnomAD no frequency). This variant has not been reported in the literature in individuals affected with ANKRD11-related conditions. Invitae Evidence Modeling of protein sequence and biophysical properties (such as structural, functional, and spatial information, amino acid conservation, physicochemical variation, residue mobility, and thermodynamic stability) indicates that this missense variant is not expected to disrupt ANKRD11 protein function with a negative predictive value of 95%. In summary, the available evidence is currently insufficient to determine the role of this variant in disease. Therefore, it has been classified as a Variant of Uncertain Significance.

NM_013275.6(ANKRD11):c.6143T>C (p.Ile2048Thr)

Gene: ANKRD11 (ankyrin repeat domain 11; minus strand). Cytogenetic location: 16q24.3.
Variant type: single nucleotide variant.
Coding change: c.6143T>C on transcript NM_013275.6 (MANE Select); coding-DNA position 6143, T replaced by C.
Protein change: p.Ile2048Thr; replaces isoleucine 2048 with threonine.
Molecular consequence: missense variant.
Genome position (GRCh38, 1-based): chr16:89,280,399, A>G on the plus strand (T>C on the coding strand, the complement: ANKRD11 is on the minus strand). VCF-style: chr16-89280399-A-G. GRCh37 (hg19) VCF-style: chr16-89346807-A-G.
Other names: c.6143T>C (NM_013275.4); c.6143T>C, p.Ile2048Thr (NM_001256182.2, NM_001256183.2); short protein forms I2048T.
Identifiers: ClinVar variation 3637131 (VCV003637131.3).